The following is an entry in ClinVar:

NM_007294.4(BRCA1):c.2136_2140del (p.Cys712_Asn714delinsTer)

Gene: BRCA1 (BRCA1 DNA repair associated; minus strand). Cytogenetic location: 17q21.31.
Variant type: Deletion.
Coding change: c.2136_2140del on transcript NM_007294.4 (MANE Select); coding-DNA positions 2136 to 2140, 5 bases deleted (TTCAA; older notation c.2136_2140delTTCAA).
Protein change: p.Cys712_Asn714delinsTer.
Molecular consequence: nonsense. On other transcripts: intron variant (137).
Genome position (GRCh38, 1-based): chr17:43,093,391-43,093,395, TTGAA deleted on the plus strand (TTCAA on the coding strand, the reverse complement: BRCA1 is on the minus strand). VCF-style (leftmost placement, unchanged base first): chr17-43093390-TTTGAA-T. GRCh37 (hg19) VCF-style: chr17-41245407-TTTGAA-T.
Other names: c.661+1349_661+1353del (NM_001408445.1, NM_001408432.1, NM_001408450.1 and 6 more transcripts); c.668-2363_668-2359del (NM_001408431.1, NM_001408424.1, NM_001408421.1); c.784+1349_784+1353del (NM_001408407.1, NM_001408402.1, NM_001408473.1 and 13 more transcripts); c.664+1349_664+1353del (NM_001408443.1, NM_001408439.1, NM_001408425.1 and 12 more transcripts); c.671-2363_671-2359del (NM_001408419.1, NM_001408422.1, NM_001408418.1 and 2 more transcripts); c.787+1349_787+1353del (NM_001408403.1, NM_001407983.1, NM_001407975.1 and 17 more transcripts); c.706+1349_706+1353del (NM_001408416.1, NM_001408413.1); c.577+1349_577+1353del (NM_001408484.1, NM_001408478.1, NM_001408514.1 and 9 more transcripts); and 41 more.
Identifiers: ClinVar variation 1429911 (VCV001429911.7), dbSNP rs2154397327, ClinGen allele CA2573154055.

ClinVar aggregate classification (germline): Pathogenic (1 of 4 stars; one submission).

Conditions:
Hereditary breast ovarian cancer syndrome. Also called: Hereditary breast and ovarian cancer syndrome (HBOC); Breast and ovarian cancer; BRCA1- and BRCA2-Associated Hereditary Breast and Ovarian Cancer; Hereditary breast and/or ovarian cancer syndrome; Hereditary breast and ovarian cancer; Hereditary breast and ovarian cancer syndrome. Identifiers: Orphanet 145, MedGen C0677776, MeSH D061325, MONDO:0003582. Disease mechanism: loss of function.

Submission:

Labcorp Genetics (formerly Invitae), Labcorp
Classification: Pathogenic for Hereditary breast ovarian cancer syndrome. Last evaluated: 2021-06-20. Review status: criteria provided, single submitter. Criteria: Invitae Variant Classification Sherloc (09022015). Collection method: clinical testing. Allele origin: germline.
Comment: This sequence change creates a premature translational stop signal (p.Cys712*) in the BRCA1 gene. It is expected to result in an absent or disrupted protein product. Loss-of-function variants in BRCA1 are known to be pathogenic (PMID: 20104584). This variant is not present in population databases (ExAC no frequency). This variant has not been reported in the literature in individuals with BRCA1-related conditions. For these reasons, this variant has been classified as Pathogenic.

Literature cited by the submitters: PubMed 20104584.